The following is an entry in ClinVar:

NM_001942.4(DSG1):c.2257C>T (p.Pro753Ser)

Genes: DSG1 (desmoglein 1; plus strand), DSG1-AS1 (DSG1 antisense RNA 1; minus strand), LOC126862720 (MED14-independent group 3 enhancer GRCh37_chr18:28933613-28934812; plus strand). Cytogenetic location: 18q12.1.
Variant type: single nucleotide variant.
Coding change: c.2257C>T on transcript NM_001942.4 (MANE Select); coding-DNA position 2257, C replaced by T.
Protein change: p.Pro753Ser; replaces proline 753 with serine.
Molecular consequence: missense variant. On other transcripts: non-coding transcript variant (1).
Genome position (GRCh38, 1-based): chr18:31,354,453, C>T. VCF-style: chr18-31354453-C-T. GRCh37 (hg19) VCF-style: chr18-28934416-C-T.
Other names: short protein forms P753S.
Identifiers: ClinVar variation 3617654 (VCV003617654.2).
Genomic context (GRCh38, chr18:31,354,453, plus strand): 5'-GTGGGTTGTTGTAGCTTCATTGGAGAAGACCTGGATGACAGCTTCTTGGATACCCTGGGA[C>T]CTAAATTTAAGAAGTTGGCAGACATCAGCCTAGGAAAAGAATCATATCCAGACCTTGATC-3'
Protein context (NP_001933.2, residues 743-763): LDDSFLDTLG[Pro753Ser]KFKKLADISL

ClinVar aggregate classification (germline): Uncertain significance (1 of 4 stars; one submission).

gnomAD v4.1: 3 of 1,614,100 alleles (0.00019%); highest among the groups gnomAD compares: South Asian, 0.0022%; no homozygotes.

Submission:

Labcorp Genetics (formerly Invitae), Labcorp
Classification: Uncertain significance. Last evaluated: 2024-03-07. Review status: criteria provided, single submitter. Criteria: Invitae Variant Classification Sherloc (09022015). Collection method: clinical testing. Allele origin: germline.
Comment: This sequence change replaces proline, which is neutral and non-polar, with serine, which is neutral and polar, at codon 753 of the DSG1 protein (p.Pro753Ser). This variant is present in population databases (no rsID available, gnomAD 0.003%). This variant has not been reported in the literature in individuals affected with DSG1-related conditions. Advanced modeling of protein sequence and biophysical properties (such as structural, functional, and spatial information, amino acid conservation, physicochemical variation, residue mobility, and thermodynamic stability) performed at Invitae indicates that this missense variant is not expected to disrupt DSG1 protein function with a negative predictive value of 80%. In summary, the available evidence is currently insufficient to determine the role of this variant in disease. Therefore, it has been classified as a Variant of Uncertain Significance.